The following is an entry in ClinVar:

GRCh38/hg38 7q11.23(chr7:73280574-74839100)x3

Genes: METTL27 (methyltransferase like 27; minus strand), MIR10525 (microRNA 10525; plus strand), MIR4284 (microRNA 4284; plus strand), MIR590 (microRNA 590; plus strand), MLXIPL (MLX interacting protein like; minus strand) and 130 more. Cytogenetic location: 7q11.23.
Variant type: copy number gain.
Change: copy number 3 (three copies instead of two) of chr7:73,280,574-74,839,100 (1.56 Mb, GRCh38 coordinates, 1-based), cytogenetic band 7q11.23.
Identifiers: ClinVar variation 58238 (VCV000058238.3).

ClinVar aggregate classification (germline): Pathogenic (1 of 4 stars; one submission).

Submission:

ISCA Site 6
Classification: Pathogenic. Last evaluated: 2011-08-12. Review status: criteria provided, single submitter. Criteria: Kaminsky et al. (Genet Med. 2011). Collection method: clinical testing. Allele origin: de novo. Affected: yes. Observed: 1 variant allele.
Comment: Copy number variation identified through the course of routine clinical cytogenomic testing in postnatal populations. Clinical assertions have been curated as described in Kaminsky et al. 2011.